The following is an entry in ClinVar:

NM_000051.4(ATM):c.1417G>A (p.Glu473Lys)

Gene: ATM (ATM serine/threonine kinase; plus strand). Cytogenetic location: 11q22.3.
Variant type: single nucleotide variant.
Coding change: c.1417G>A on transcript NM_000051.4 (MANE Select); coding-DNA position 1417, G replaced by A.
Protein change: p.Glu473Lys; replaces glutamic acid 473 with lysine.
Molecular consequence: missense variant.
Genome position (GRCh38, 1-based): chr11:108,250,882, G>A. VCF-style: chr11-108250882-G-A. GRCh37 (hg19) VCF-style: chr11-108121609-G-A.
Other names: c.1417G>A, p.Glu473Lys (NM_001351834.2); short protein forms E473K.
Identifiers: ClinVar variation 578407 (VCV000578407.12), dbSNP rs1565382834, ClinGen allele CA382533991.

ClinVar aggregate classification (germline): Uncertain significance. Review status: criteria provided, multiple submitters, no conflicts (2 of 4 stars). 3 submissions from 3 submitters: Uncertain significance (3). Last evaluated 2023-12-05.

Conditions:
Hereditary cancer-predisposing syndrome. Also called: Hereditary neoplastic syndrome; Tumor predisposition; Hereditary Cancer Syndrome; Neoplastic Syndromes, Hereditary. Identifiers: Orphanet 140162, MedGen C0027672, MeSH D009386, MONDO:0015356.
Ataxia-telangiectasia syndrome (AT). Also called: Cerebello-oculocutaneous telangiectasia; Immunodeficiency with ataxia telangiectasia; Ataxia telangiectasia (A-T); Ataxia-telangiectasia, complementation group E; LOUIS-BAR SYNDROME; Ataxia-telangiectasia. Identifiers: Orphanet 100, MedGen C0004135, MONDO:0008840, OMIM 208900.

Submissions (3):

Color Diagnostics, LLC DBA Color Health
Classification: Uncertain significance for Hereditary cancer-predisposing syndrome. Last evaluated: 2023-12-05. Review status: criteria provided, single submitter. Criteria: ACMG Guidelines, 2015. Collection method: clinical testing. Allele origin: germline.
Comment: This missense variant replaces glutamic acid with lysine at codon 473 of the ATM protein. Computational prediction suggests that this variant may not impact protein structure and function (internally defined REVEL score threshold <= 0.5, PMID: 27666373). To our knowledge, functional studies have not been reported for this variant. This variant has not been reported in individuals affected with ATM-related disorders in the literature. This variant has not been identified in the general population by the Genome Aggregation Database (gnomAD). The available evidence is insufficient to determine the role of this variant in disease conclusively. Therefore, this variant is classified as a Variant of Uncertain Significance.

Ambry Genetics
Classification: Uncertain significance for Hereditary cancer-predisposing syndrome. Last evaluated: 2023-07-26. Review status: criteria provided, single submitter. Criteria: Ambry Variant Classification Scheme 2023. Collection method: clinical testing. Allele origin: germline.
Comment: The p.E473K variant (also known as c.1417G>A), located in coding exon 9 of the ATM gene, results from a G to A substitution at nucleotide position 1417. The glutamic acid at codon 473 is replaced by lysine, an amino acid with similar properties. This amino acid position is conserved. In addition, this alteration is predicted to be tolerated by in silico analysis. Since supporting evidence is limited at this time, the clinical significance of this alteration remains unclear.

Labcorp Genetics (formerly Invitae), Labcorp
Classification: Uncertain significance for Ataxia-telangiectasia syndrome. Last evaluated: 2021-09-02. Review status: criteria provided, single submitter. Criteria: Invitae Variant Classification Sherloc (09022015). Collection method: clinical testing. Allele origin: germline.
Comment: This sequence change replaces glutamic acid with lysine at codon 473 of the ATM protein (p.Glu473Lys). The glutamic acid residue is weakly conserved and there is a small physicochemical difference between glutamic acid and lysine. This variant is not present in population databases (ExAC no frequency). This variant has not been reported in the literature in individuals affected with ATM-related conditions. Algorithms developed to predict the effect of missense changes on protein structure and function (SIFT, PolyPhen-2, Align-GVGD) all suggest that this variant is likely to be tolerated. In summary, the available evidence is currently insufficient to determine the role of this variant in disease. Therefore, it has been classified as a Variant of Uncertain Significance.